The following is an entry in ClinVar:

ClinVar aggregate classification (germline): Uncertain significance (1 of 4 stars; one submission).

Submission:

Labcorp Genetics (formerly Invitae), Labcorp
Classification: Uncertain significance. Last evaluated: 2022-03-13. Review status: criteria provided, single submitter. Criteria: Invitae Variant Classification Sherloc (09022015). Collection method: clinical testing. Allele origin: germline.
Comment: In summary, the available evidence is currently insufficient to determine the role of this variant in disease. Therefore, it has been classified as a Variant of Uncertain Significance. Experimental studies and prediction algorithms are not available or were not evaluated, and the functional significance of this variant is currently unknown. This variant has not been reported in the literature in individuals affected with KLF1-related conditions. This variant is present in population databases (rs768749362, gnomAD 0.002%). This sequence change affects the initiator methionine of the KLF1 mRNA. The next in-frame methionine is located at codon 39.

NM_006563.5(KLF1):c.-3_7del (p.Met1fs)

Genes: KLF1 (KLF transcription factor 1; minus strand), LOC117125592 (CRISPRi-FlowFISH-validated CALR, DHPS, JUNB, PRDX2, RAD23A, RNASEH2A and WDR83OS regulatory element; plus strand). Cytogenetic location: 19p13.13.
Variant type: Deletion.
Coding change: c.-3_7del on transcript NM_006563.5 (MANE Select); 3 bases upstream of the start codon through coding-DNA position 7, 10 bases deleted (GCCATGGCCA; older notation c.-3_7delGCCATGGCCA).
Protein change: p.Met1fs; shifts the reading frame from methionine 1.
Molecular consequence: frameshift variant, initiator codon variant.
Genome position (GRCh38, 1-based): chr19:12,887,134-12,887,143, TGGCCATGGC deleted on the plus strand (GCCATGGCCA on the coding strand, the reverse complement: KLF1 is on the minus strand); deleting any 10 consecutive bases within chr19:12,887,134-12,887,147 gives the same sequence; the c. name uses the placement nearest the transcript's 3' end. VCF-style (leftmost placement, unchanged base first): chr19-12887133-GTGGCCATGGC-G. GRCh37 (hg19) VCF-style: chr19-12997947-GTGGCCATGGC-G.
Other names: short protein forms M1fs.
Identifiers: ClinVar variation 1930742 (VCV001930742.6), dbSNP rs768749362, ClinGen allele CA9234143.
Genomic context (GRCh38, chr19:12,887,133, plus strand): 5'-GTGTCCGGGAAGGGGCCCAGGGCGGTCAGTGTGCTGATGGAGGGCAAGGCGGTCTCGGCT[GTGGCCATGGC>G]TGGCTGGTGCCCACCCTGGGCCTCAAGCCTCCTCTTCCTCGGCTGCCTCGTGAACTCTGA-3'